The following is an entry in ClinVar:

ClinVar aggregate classification (germline): Benign (1 of 4 stars; one submission).

Conditions:
Colorectal cancer, susceptibility to, 1. Also called: COLORECTAL ADENOMA AND CANCER, SUSCEPTIBILITY TO; COLORECTAL CANCER, SUSCEPTIBILITY TO, ON CHROMOSOME 9. Identifiers: MedGen C1837315, MONDO:0012132, OMIM 608812.

Submission:

Myriad Genetics, Inc.
Classification: Benign for Colorectal cancer, susceptibility to, 1. Last evaluated: 2026-04-22. Review status: criteria provided, single submitter. Criteria: Myriad Autosomal Dominant, Autosomal Recessive and X-Linked Classification Criteria (2023). Collection method: clinical testing. Allele origin: unknown.
Comment: This variant is considered benign. This variant is a silent/synonymous amino acid change and it is not expected to impact splicing.

NM_024642.5(GALNT12):c.219C>T (p.Asn73=)

Gene: GALNT12 (polypeptide N-acetylgalactosaminyltransferase 12; plus strand). Cytogenetic location: 9q22.33.
Variant type: single nucleotide variant.
Coding change: c.219C>T on transcript NM_024642.5 (MANE Select); coding-DNA position 219, C replaced by T.
Protein change: p.Asn73=; no amino-acid change (asparagine 73 retained).
Molecular consequence: synonymous variant.
Genome position (GRCh38, 1-based): chr9:98,807,917, C>T. VCF-style: chr9-98807917-C-T. GRCh37 (hg19) VCF-style: chr9-101570199-C-T.
Identifiers: ClinVar variation 4876066 (VCV004876066.1).